The following is an entry in ClinVar:

NM_001943.5(DSG2):c.2212G>A (p.Ala738Thr)

Genes: DSG2 (desmoglein 2; plus strand), DSG2-AS1 (DSG2 antisense RNA 1; minus strand). Cytogenetic location: 18q12.1.
Variant type: single nucleotide variant.
Coding change: c.2212G>A on transcript NM_001943.5 (MANE Select); coding-DNA position 2212, G replaced by A.
Protein change: p.Ala738Thr; replaces alanine 738 with threonine.
Molecular consequence: missense variant.
Genome position (GRCh38, 1-based): chr18:31,542,730, G>A. VCF-style: chr18-31542730-G-A. GRCh37 (hg19) VCF-style: chr18-29122693-G-A.
Other names: short protein forms A738T.
Identifiers: ClinVar variation 44298 (VCV000044298.22), dbSNP rs397516705, ClinGen allele CA021719.

ClinVar aggregate classification (germline): Conflicting classifications of pathogenicity. Review status: criteria provided, conflicting classifications (1 of 4 stars). 6 submissions from 6 submitters: Uncertain significance (4); Likely benign (2). Last evaluated 2025-11-17.

Conditions:
Cardiovascular phenotype. Identifiers: MedGen CN230736.
Arrhythmogenic right ventricular cardiomyopathy (ARVD). Also called: Arrhythmogenic right ventricular dysplasia; Arrhythmogenic cardiomyopathy; Arrhythmogenic Right Ventricular Cardiomyopathy (ARVC); Cardiomyopathy, ARVC. Identifiers: Orphanet 247, MedGen C0349788, MeSH D019571, MONDO:0016587. Disease mechanism: loss of function. Inheritance: Various modes of inheritance.
Cardiomyopathy (CMYO). Also called: Cardiomyopathies. Identifiers: Orphanet 167848, MedGen C0878544, MONDO:0004994, HP:0001638. Inheritance: Various modes of inheritance.
Arrhythmogenic right ventricular dysplasia 10. Also called: ARRHYTHMOGENIC RIGHT VENTRICULAR DYSPLASIA, FAMILIAL, 10; Arrhythmogenic Right Ventricular Dysplasia/Cardiomyopathy10; Arrhythmogenic right ventricular dysplasia/cardiomyopathy, type 10. Identifiers: MedGen C1857777, MONDO:0012434, OMIM 610193.

Allele frequency attached by ClinVar (database versions not stated): ExAC 0.00001; gnomAD exomes 0.00001 and 0.00002; gnomAD 0.00002; TOPMed 0.00003.
gnomAD v4.1: 21 of 1,614,058 alleles (0.0013%); highest among the groups gnomAD compares: South Asian, 0.0033%; no homozygotes.

Submissions (6):

Labcorp Genetics (formerly Invitae), Labcorp
Classification: Uncertain significance for Arrhythmogenic right ventricular dysplasia 10. Last evaluated: 2025-11-17. Review status: criteria provided, single submitter. Criteria: Invitae Variant Classification Sherloc (09022015). Collection method: clinical testing. Allele origin: germline.
Comment: This sequence change replaces alanine, which is neutral and non-polar, with threonine, which is neutral and polar, at codon 738 of the DSG2 protein (p.Ala738Thr). This variant is present in population databases (rs397516705, gnomAD 0.007%). This missense change has been observed in individual(s) with Brugada syndrome (PMID: 26220970). ClinVar contains an entry for this variant (Variation ID: 44298). Invitae Evidence Modeling of protein sequence and biophysical properties (such as structural, functional, and spatial information, amino acid conservation, physicochemical variation, residue mobility, and thermodynamic stability) indicates that this missense variant is not expected to disrupt DSG2 protein function with a negative predictive value of 95%. In summary, the available evidence is currently insufficient to determine the role of this variant in disease. Therefore, it has been classified as a Variant of Uncertain Significance.

Ambry Genetics
Classification: Likely benign for Cardiovascular phenotype. Last evaluated: 2025-07-10. Review status: criteria provided, single submitter. Criteria: Ambry Variant Classification Scheme 2023. Collection method: clinical testing. Allele origin: germline.

Color Diagnostics, LLC DBA Color Health
Classification: Likely benign for Cardiomyopathy. Last evaluated: 2025-06-12. Review status: criteria provided, single submitter. Criteria: ACMG Guidelines, 2015. Collection method: clinical testing. Allele origin: germline.

Mayo Clinic Laboratories, Mayo Clinic
Classification: Uncertain significance. Last evaluated: 2024-01-10. Review status: criteria provided, single submitter. Criteria: ACMG Guidelines, 2015. Collection method: clinical testing. Allele origin: germline. Observed: 1 variant allele.
Comment: BP4

All of Us Research Program, National Institutes of Health
Classification: Uncertain significance for Arrhythmogenic right ventricular cardiomyopathy. Last evaluated: 2023-11-28. Review status: criteria provided, single submitter. Criteria: ACMG Guidelines, 2015. Collection method: clinical testing. Allele origin: germline. Inheritance: Autosomal dominant inheritance. Observed: 5 variant alleles, 5 heterozygotes.
Comment: This missense variant replaces alanine with threonine at codon 738 of the DSG2 protein. Computational prediction suggests that this variant may not impact protein structure and function (internally defined REVEL score threshold <= 0.5, PMID: 27666373). To our knowledge, functional studies have not been reported for this variant. This variant has not been reported in individuals affected with cardiovascular disorders in the literature. This variant has been identified in 4/249418 chromosomes in the general population by the Genome Aggregation Database (gnomAD). The available evidence is insufficient to determine the role of this variant in disease conclusively. Therefore, this variant is classified as a Variant of Uncertain Significance.

This study involves interpretation of variants in research participants for the purpose of population health screening. Participant phenotype was not available at the time of variant classification. Additional details can be found in publication PMID: 35346344, PMCID: PMC8962531

Laboratory for Molecular Medicine, Mass General Brigham Personalized Medicine
Classification: Uncertain significance for Arrhythmogenic right ventricular cardiomyopathy. Last evaluated: 2023-05-03. Review status: criteria provided, single submitter. Criteria: ACMG Guidelines, 2015. Collection method: clinical testing. Allele origin: germline.
Comment: The p.Ala738Thr variant in DSG2 has been reported in 2 individuals with arrhythmogenic right ventricular cardiomyopathy, including 1 individual who had another pathogenic ARVC-associated variant that is considered sufficient to cause disease (ARVC; Stava 2022 PMID: 35653365, LMM data), in 1 individual with Brugada Syndrome (Di Resta 2015 PMID: 26220970) and by other clinical laboratories in ClinVar (Variation ID 44298). It has also been identified in 0.003% (2/68030) of European chromosomes by gnomAD (v.3.1.2). Computational prediction tools and conservation analyses suggest that this variant may not impact the protein, though this information is not predictive enough to rule out pathogenicity. In summary, while the clinical significance of this variant is uncertain, these data suggest that it is more likely to be benign . ACMG/AMP Criteria applied: PM2_Supporting, BP4.

Literature cited by the submitters: PubMed 26220970 (cited by 3 submitters); PubMed 35653365 (cited by Ambry Genetics and Mayo Clinic Laboratories, Mayo Clinic).